The following is an entry in ClinVar:

NM_002249.6(KCNN3):c.687C>A (p.Ala229=)

Gene: KCNN3 (potassium calcium-activated channel subfamily N member 3; minus strand). Cytogenetic location: 1q21.3.
Variant type: single nucleotide variant.
Coding change: c.687C>A on transcript NM_002249.6 (MANE Select); coding-DNA position 687, C replaced by A.
Protein change: p.Ala229=; no amino-acid change (alanine 229 retained).
Molecular consequence: synonymous variant.
Genome position (GRCh38, 1-based): chr1:154,869,278, G>T on the plus strand (C>A on the coding strand, the complement: KCNN3 is on the minus strand). VCF-style: chr1-154869278-G-T. GRCh37 (hg19) VCF-style: chr1-154841754-G-T.
Other names: c.687C>A, p.Ala229= (NM_001204087.2).
Identifiers: ClinVar variation 3067570 (VCV003067570.21), dbSNP rs771073279, ClinGen allele CA421233608.
Genomic context (GRCh38, chr1:154,869,278, plus strand): 5'-GGTGGTGCCGGCATGCTGGTGGTTGTGGGTGGCATTAGGGTGATGGAGCAGGGTCTGGTG[G>T]GCATGGTTGTCCTCCCGGGAGGAGATGACGATCTCCGGGGGGTTGCTAGGGCTGAAAAGC-3'
Protein context (NP_002240.3, residues 219-239): IVISSREDNH[Ala229=]HQTLLHHPNA

ClinVar aggregate classification (germline): Likely benign (1 of 4 stars; one submission).

Submission:

CeGaT Center for Human Genetics Tuebingen
Classification: Likely benign. Last evaluated: 2024-03-01. Review status: criteria provided, single submitter. Criteria: CeGaT Center For Human Genetics Tuebingen Variant Classification Criteria Version 2. Collection method: clinical testing. Allele origin: germline. Affected: yes. Observed: 1 variant allele.
Comment: KCNN3: PM2:Supporting, BP4, BP7